The following is an entry in ClinVar:

NM_000808.4(GABRA3):c.655G>A (p.Val219Met)

Gene: GABRA3 (gamma-aminobutyric acid type A receptor subunit alpha3; minus strand). Cytogenetic location: Xq28.
Variant type: single nucleotide variant.
Coding change: c.655G>A on transcript NM_000808.4 (MANE Select); coding-DNA position 655, G replaced by A.
Protein change: p.Val219Met; replaces valine 219 with methionine.
Molecular consequence: missense variant.
Genome position (GRCh38, 1-based): chrX:152,208,124, C>T on the plus strand (G>A on the coding strand, the complement: GABRA3 is on the minus strand). VCF-style: chrX-152208124-C-T. GRCh37 (hg19) VCF-style: chrX-151376596-C-T.
Other names: short protein forms V219M.
Identifiers: ClinVar variation 4532375 (VCV004532375.1).

ClinVar aggregate classification (germline): Uncertain significance (1 of 4 stars; one submission).

gnomAD v4.1: 1 of 1,210,916 alleles (0.000083%); highest among the groups gnomAD compares: Non-Finnish European, 0.00011%; no homozygotes.

Submission:

GeneDx
Classification: Uncertain significance. Last evaluated: 2024-04-04. Review status: criteria provided, single submitter. Criteria: GeneDx Variant Classification Process June 2021. Collection method: clinical testing. Allele origin: germline. Affected: yes.
Comment: Not observed at significant frequency in large population cohorts (gnomAD); In silico analysis indicates that this missense variant does not alter protein structure/function; Has not been previously published as pathogenic or benign to our knowledge; Variants in candidate genes are classified as variants of uncertain significance in accordance with ACMG guidelines (PMID: 25741868)